The following is an entry in ClinVar:

NM_001244008.2(KIF1A):c.798+4G>A

Gene: KIF1A (kinesin family member 1A; minus strand). Cytogenetic location: 2q37.3.
Variant type: single nucleotide variant.
Coding change: c.798+4G>A on transcript NM_001244008.2 (MANE Select); 4 bases into the intron after coding-DNA position 798, G replaced by A.
Molecular consequence: intron variant.
Genome position (GRCh38, 1-based): chr2:240,783,735, C>T on the plus strand (G>A on the coding strand, the complement: KIF1A is on the minus strand). VCF-style: chr2-240783735-C-T. GRCh37 (hg19) VCF-style: chr2-241723152-C-T.
Other names: c.798+4G>A (NM_001379653.1, NM_001379650.1, NM_001379645.1 and 20 more transcripts).
Identifiers: ClinVar variation 2091419 (VCV002091419.4), dbSNP rs1559526592, ClinGen allele CA1339288887.

ClinVar aggregate classification (germline): Uncertain significance (1 of 4 stars; one submission).

Conditions:
Neuropathy, hereditary sensory, type 2C. Also called: Hereditary sensory and autonomic neuropathy type IIC; KIF1A-Related HSAN2 (HSAN2C). Identifiers: Orphanet 970, MedGen C3280168, MONDO:0013634, OMIM 614213.
Intellectual disability, autosomal dominant 9 (NESCAVS). Also called: NESCAV SYNDROME; KIF1A-Related Neurodevelopmental Disorder. Identifiers: Orphanet 662367, MedGen C5393830, MONDO:0013656, OMIM 614255.
Hereditary spastic paraplegia 30. Identifiers: Orphanet 101010, MedGen C5235139, MONDO:0012476.

Allele frequency attached by ClinVar (database versions not stated): gnomAD exomes below 0.00001.

Submission:

Labcorp Genetics (formerly Invitae), Labcorp
Classification: Uncertain significance for Hereditary spastic paraplegia 30; Neuropathy, hereditary sensory, type 2C; Intellectual disability, autosomal dominant 9. Last evaluated: 2022-03-18. Review status: criteria provided, single submitter. Criteria: Invitae Variant Classification Sherloc (09022015). Collection method: clinical testing. Allele origin: germline.
Comment: This sequence change falls in intron 7 of the KIF1A gene. It does not directly change the encoded amino acid sequence of the KIF1A protein. It affects a nucleotide within the consensus splice site. This variant is not present in population databases (gnomAD no frequency). This variant has not been reported in the literature in individuals affected with KIF1A-related conditions. Variants that disrupt the consensus splice site are a relatively common cause of aberrant splicing (PMID: 17576681, 9536098). Algorithms developed to predict the effect of sequence changes on RNA splicing suggest that this variant is not likely to affect RNA splicing. In summary, the available evidence is currently insufficient to determine the role of this variant in disease. Therefore, it has been classified as a Variant of Uncertain Significance.

Literature cited by the submitters: PubMed 17576681; PubMed 9536098.